The following is an entry in ClinVar:

ClinVar aggregate classification (germline): Uncertain significance (1 of 4 stars; one submission).

Conditions:
Acromesomelic dysplasia 3 (AMD3). Also called: CHONDRODYSPLASIA, ACROMESOMELIC, WITH OR WITHOUT GENITAL ANOMALIES; Acromesomelic dysplasia, Demirhan type. Identifiers: MedGen C4225404, MONDO:0012274, OMIM 609441.
Type A2 brachydactyly (BDA2). Also called: Brachymesophalangy type 2; BRACHYMESOPHALANGY II; MOHR-WRIEDT TYPE BRACHYDACTYLY. Identifiers: Orphanet 93396, MedGen C1832702, MONDO:0007216, OMIM 112600, HP:0009372.

gnomAD v4.1: 5 of 1,608,632 alleles (0.00031%); highest among the groups gnomAD compares: Admixed American, 0.0067%; no homozygotes.

Submission:

Labcorp Genetics (formerly Invitae), Labcorp
Classification: Uncertain significance for Type A2 brachydactyly; Acromesomelic dysplasia 3. Last evaluated: 2024-04-11. Review status: criteria provided, single submitter. Criteria: Invitae Variant Classification Sherloc (09022015). Collection method: clinical testing. Allele origin: germline.
Comment: This sequence change replaces lysine, which is basic and polar, with glutamine, which is neutral and polar, at codon 447 of the BMPR1B protein (p.Lys447Gln). This variant is not present in population databases (gnomAD no frequency). This variant has not been reported in the literature in individuals affected with BMPR1B-related conditions. Advanced modeling of protein sequence and biophysical properties (such as structural, functional, and spatial information, amino acid conservation, physicochemical variation, residue mobility, and thermodynamic stability) performed at Invitae indicates that this missense variant is not expected to disrupt BMPR1B protein function with a negative predictive value of 80%. In summary, the available evidence is currently insufficient to determine the role of this variant in disease. Therefore, it has been classified as a Variant of Uncertain Significance.

NM_001203.3(BMPR1B):c.1339A>C (p.Lys447Gln)

Gene: BMPR1B (bone morphogenetic protein receptor type 1B; plus strand). Cytogenetic location: 4q22.3.
Variant type: single nucleotide variant.
Coding change: c.1339A>C on transcript NM_001203.3 (MANE Select); coding-DNA position 1339, A replaced by C.
Protein change: p.Lys447Gln; replaces lysine 447 with glutamine.
Molecular consequence: missense variant.
Genome position (GRCh38, 1-based): chr4:95,152,729, A>C. VCF-style: chr4-95152729-A-C. GRCh37 (hg19) VCF-style: chr4-96073880-A-C.
Other names: c.1339A>C, p.Lys447Gln (NM_001256792.2, NM_001256794.1); c.1429A>C, p.Lys477Gln (NM_001256793.2); short protein forms K447Q, K477Q.
Identifiers: ClinVar variation 3761059 (VCV003761059.2).
Genomic context (GRCh38, chr4:95,152,729, plus strand): 5'-TATCATGACCTAGTGCCCAGTGACCCCTCTTATGAGGACATGAGGGAGATTGTGTGCATC[A>C]AGAAGTTACGCCCCTCATTCCCAAACCGGTGGAGCAGTGATGAGGTAAGGCTTGAGGTAA-3'
Protein context (NP_001194.1, residues 437-457): YEDMREIVCI[Lys447Gln]KLRPSFPNRW